The following is an entry in ClinVar:

ClinVar aggregate classification (germline): Uncertain significance (1 of 4 stars; one submission).

Allele frequency attached by ClinVar (database versions not stated): gnomAD exomes below 0.00001; ExAC 0.00001.
gnomAD v4.1: 1 of 1,612,674 alleles (0.000062%); highest among the groups gnomAD compares: East Asian, 0.0022%; no homozygotes.

Submission:

Labcorp Genetics (formerly Invitae), Labcorp
Classification: Uncertain significance. Last evaluated: 2022-07-19. Review status: criteria provided, single submitter. Criteria: Invitae Variant Classification Sherloc (09022015). Collection method: clinical testing. Allele origin: germline.
Comment: This sequence change replaces glutamic acid, which is acidic and polar, with glycine, which is neutral and non-polar, at codon 475 of the GALNT3 protein (p.Glu475Gly). This variant is present in population databases (rs757020982, gnomAD 0.006%). This variant has not been reported in the literature in individuals affected with GALNT3-related conditions. ClinVar contains an entry for this variant (Variation ID: 1387036). Algorithms developed to predict the effect of missense changes on protein structure and function are either unavailable or do not agree on the potential impact of this missense change (SIFT: "Deleterious"; PolyPhen-2: "Benign"; Align-GVGD: "Class C0"). In summary, the available evidence is currently insufficient to determine the role of this variant in disease. Therefore, it has been classified as a Variant of Uncertain Significance.

NM_004482.4(GALNT3):c.1424A>G (p.Glu475Gly)

Gene: GALNT3 (polypeptide N-acetylgalactosaminyltransferase 3; minus strand). Cytogenetic location: 2q24.3.
Variant type: single nucleotide variant.
Coding change: c.1424A>G on transcript NM_004482.4 (MANE Select); coding-DNA position 1424, A replaced by G.
Protein change: p.Glu475Gly; replaces glutamic acid 475 with glycine.
Molecular consequence: missense variant.
Genome position (GRCh38, 1-based): chr2:165,755,032, T>C on the plus strand (A>G on the coding strand, the complement: GALNT3 is on the minus strand). VCF-style: chr2-165755032-T-C. GRCh37 (hg19) VCF-style: chr2-166611542-T-C.
Other names: short protein forms E475G.
Identifiers: ClinVar variation 1387036 (VCV001387036.3), dbSNP rs757020982, ClinGen allele CA1940950.